The following is an entry in ClinVar:

ClinVar aggregate classification (germline): Pathogenic. Review status: reviewed by expert panel (3 of 4 stars). 5 submissions from 5 submitters: Pathogenic (1). 4 of the submissions do not count toward it. Last evaluated 2026-07-10.

Conditions:
Glycogen storage disease, type II (IOPD). Also called: GAA DEFICIENCY, INFANTILE-ONSET; ACID MALTASE DEFICIENCY, INFANTILE-ONSET; GLYCOGENOSIS, GENERALIZED, CARDIAC FORM; GSD II; POMPE DISEASE, INFANTILE-ONSET; GLYCOGEN STORAGE DISEASE II, INFANTILE-ONSET. Identifiers: Orphanet 365, MedGen C0017921, MONDO:0009290, OMIM 232300.
Glycogen storage disease due to acid maltase deficiency, late-onset (LOPD). Also called: POMPE DISEASE, LATE-ONSET; GLYCOGEN STORAGE DISEASE II, LATE-ONSET; ACID ALPHA-GLUCOSIDASE DEFICIENCY, LATE-ONSET; GAA DEFICIENCY, LATE-ONSET; ACID MALTASE DEFICIENCY, LATE-ONSET; AMD, LATE-ONSET. Identifiers: Orphanet 420429, MedGen C0342753, MONDO:0018485, OMIM 621314.

gnomAD v4.1: 1 of 1,613,080 alleles (0.000062%); highest among the groups gnomAD compares: Non-Finnish European, 0.000085%; no homozygotes.

Submissions (5):

ClinGen Lysosomal Storage Disorder Variant Curation Expert Panel
Classification: Pathogenic for Glycogen storage disease, type II. Last evaluated: 2026-07-10. Review status: reviewed by expert panel. Criteria: clingen_lsd_acmg_specifications_v2-1. Collection method: curation. Allele origin: germline. Inheritance: Autosomal recessive inheritance.
Comment: The NM_000152.5:c.1082C>G variant in GAA is a missense variant predicted to cause substitution of proline by arginine at amino acid 361 (p.Pro361Arg). At least four individuals with this variant have been reported to have a diagnosis of late-onset Pompe disease (LOPD), with at least two with documented GAA deficiency (PMID: 30312517, 32012848, 42131243) (PP4_Moderate). Of those individuals, three were compound heterozygous for this variant and a pathogenic variant, c.-32-13T>G (PMIDs: 30312517, 32012848) or c.2238C>G (p.Trp746Cys) (PMID: 42131243), phase unknown in all cases. One individual was homozygous for this variant (PMID: 42131243) (PM3_Strong). The highest population minor allele frequency in gnomAD v4.1.1 is 8.475e-7 (1/1179974 alleles) in the European (non-Finnish) population, which is lower than the ClinGen Lysosomal Diseases VCEP’s threshold for PM2_Supporting (<0.001), meeting this criterion (PM2_Supporting). The computational predictor REVEL gives a score of 0.945 which is above the threshold of 0.7, evidence that correlates with impact to GAA function (PP3). Another missense variant (c.1082C>T (p.Pro361Leu)) (ClinVar Variation ID: 403712) in the same codon has been classified as pathogenic for Pompe disease by the ClinGen Lysosomal Diseases VCEP (PM5). There is a ClinVar entry for this variant (Variation ID: 289367). In summary, this variant meets the criteria to be classified as pathogenic for Pompe disease based on the GAA-specific ACMG/AMP criteria applied, as specified by the ClinGen Lysosomal Diseases Variant Curation Expert Panel (Specifications Version 2.0): PM2_Supporting, PM3_Strong, PM5, PP3, PP4_Moderate. (Classification approved by the ClinGen Lysosomal Diseases Variant Curation Expert Panel on July 10, 2026)

Genomenon, Inc
Classification: Likely pathogenic for Glycogen storage disease, type II. Last evaluated: 2026-07-01. Review status: criteria provided, single submitter. Criteria: Genomenon Sequence Variant Interpretation Standards - Updated. Collection method: curation. Allele origin: germline. Affected: yes. Not counted in ClinVar's aggregate classification.
Comment: GAA p.Pro361Arg (c.1082C>G) is a missense variant that changes the amino acid at codon 361 from Proline to Arginine. This variant has been observed in at least one proband with a GAA-related disorder in the compound heterozygous and/or homozygous state (PMID:32012848;30312517). It is absent or not present at a significant frequency in gnomAD. In silico models predict that this variant is possibly or probably damaging. In conclusion, we classify GAA p.Pro361Arg (c.1082C>G) as a likely pathogenic variant.

Eurofins Ntd Llc (ga)
Classification: Uncertain significance. Last evaluated: 2016-07-12. Review status: criteria provided, single submitter. Criteria: EGL Classification Definitions 2015. Collection method: clinical testing. Allele origin: germline. Observed: 1 variant allele, 1 heterozygote. Not counted in ClinVar's aggregate classification.

OMIM
Classification: Pathogenic for POMPE DISEASE, LATE-ONSET. Last evaluated: 2025-08-25. Review status: no assertion criteria provided. Collection method: literature only. Allele origin: germline. Not counted in ClinVar's aggregate classification.

Molecular Therapies Laboratory, Murdoch University
Classification: Pathogenic for Glycogen storage disease, type II. Review status: no assertion criteria provided. Collection method: clinical testing. Allele origin: germline. Affected: yes. Observed: 1 variant allele. Not counted in ClinVar's aggregate classification.
Comment: Elevated CK (950 units); low GAA enzyme activity (0.8 units); urine tetrasaccharides elevated (40 units); respiratory functions normal

Literature cited by the submitters: PubMed 32012848 (cited by 3 submitters); PubMed 30312517 (cited by Genomenon, Inc); PubMed 32317649 (cited by Molecular Therapies Laboratory, Murdoch University); PubMed 26497565 (cited by Molecular Therapies Laboratory, Murdoch University); PubMed 25526786 (cited by Molecular Therapies Laboratory, Murdoch University); PubMed 22644586 (cited by Molecular Therapies Laboratory, Murdoch University).

NM_000152.5(GAA):c.1082C>G (p.Pro361Arg)

Gene: GAA (alpha glucosidase; plus strand). Cytogenetic location: 17q25.3.
Variant type: single nucleotide variant.
Coding change: c.1082C>G on transcript NM_000152.5 (MANE Select); coding-DNA position 1082, C replaced by G.
Protein change: p.Pro361Arg; replaces proline 361 with arginine.
Molecular consequence: missense variant.
Genome position (GRCh38, 1-based): chr17:80,108,495, C>G. VCF-style: chr17-80108495-C-G. GRCh37 (hg19) VCF-style: chr17-78082294-C-G.
Other names: NM_000152.5(GAA):c.1082C>G; p.Pro361Arg; c.1082C>G, p.Pro361Arg (NM_001079803.3, NM_001079804.3); short protein forms P361R.
Identifiers: ClinVar variation 289367 (VCV000289367.12), dbSNP rs755253527, ClinGen allele CA10606426.
Genomic context (GRCh38, chr17:80,108,495, plus strand): 5'-CCCCGCCCCAAGGCTCCCTCCTCCCTCCCTCATGAAGTCGGCGTTGGCCTGCAGGATACC[C>G]GTTCATGCCGCCATACTGGGGCCTGGGCTTCCACCTGTGCCGCTGGGGCTACTCCTCCAC-3'
Protein context (NP_000143.2, residues 351-371): VQQYLDVVGY[Pro361Arg]FMPPYWGLGF